The following is an entry in ClinVar:

NM_024596.5(MCPH1):c.2202C>A (p.Phe734Leu)

Genes: ANGPT2 (angiopoietin 2; minus strand), MCPH1 (microcephalin 1; plus strand). Cytogenetic location: 8p23.1.
Variant type: single nucleotide variant.
Coding change: c.2202C>A on transcript NM_024596.5 (MANE Select); coding-DNA position 2202, C replaced by A.
Protein change: p.Phe734Leu; replaces phenylalanine 734 with leucine.
Molecular consequence: missense variant. On other transcripts: 3 prime UTR variant (6), intron variant (1).
Genome position (GRCh38, 1-based): chr8:6,499,917, C>A. VCF-style: chr8-6499917-C-A. GRCh37 (hg19) VCF-style: chr8-6357438-C-A.
Other names: c.*3184G>T (NM_001118887.2, NM_001118888.2, NM_001147.3 and 1 more transcripts); c.*3332G>T (NM_001386336.1, NM_001386337.1); c.2202C>A, p.Phe734Leu (NM_001322042.2, NM_001363979.1, NM_001410916.1 and 1 more transcripts); c.1935+44665C>A (NM_001363980.2); short protein forms F734L.
Identifiers: ClinVar variation 723421 (VCV000723421.11), dbSNP rs200049022, ClinGen allele CA4610854.

ClinVar aggregate classification (germline): Likely benign. Review status: criteria provided, multiple submitters, no conflicts (2 of 4 stars). 2 submissions from 2 submitters: Likely benign (2). Last evaluated 2026-01-19.

Allele frequency attached by ClinVar (database versions not stated): 1000 Genomes Project 30x 0.00016; ESP Exome Variant Server 0.00025; TOPMed 0.00027; gnomAD 0.00059 and 0.00061.
gnomAD v4.1: 618 of 1,613,554 alleles (0.038%); highest among the groups gnomAD compares: Non-Finnish European, 0.033%; 2 homozygotes.

Submissions (2):

Labcorp Genetics (formerly Invitae), Labcorp
Classification: Likely benign. Last evaluated: 2026-01-19. Review status: criteria provided, single submitter. Criteria: Invitae Variant Classification Sherloc (09022015). Collection method: clinical testing. Allele origin: germline.

Women's Health and Genetics/Laboratory Corporation of America, LabCorp
Classification: Likely benign. Last evaluated: 2025-09-03. Review status: criteria provided, single submitter. Criteria: LabCorp Variant Classification Summary - May 2015. Collection method: clinical testing. Allele origin: germline.
Comment: Variant summary: MCPH1 c.2202C>A (p.Phe734Leu) results in a non-conservative amino acid change in the encoded protein sequence. Algorithms developed to predict the effect of missense changes on protein structure and function are either unavailable or do not agree on the potential impact of this missense change. The variant allele was found at a frequency of 0.00038 in 1613554 control chromosomes, predominantly at a frequency of 0.0034 within the Finnish subpopulation in the gnomAD database, including 2 homozygotes. The observed variant frequency within Finnish control individuals in the gnomAD database exceeds the estimated maximal expected allele frequency for disease-causing variants in MCPH1. To our knowledge, no occurrence of c.2202C>A in individuals affected with MCPH1-related conditions and no experimental evidence demonstrating its impact on protein function have been reported. ClinVar contains an entry for this variant (Variation ID: 723421). Based on the evidence outlined above, the variant was classified as likely benign.